The following is an entry in ClinVar:

NM_000090.4(COL3A1):c.4359T>G (p.Asp1453Glu)

Gene: COL3A1 (collagen type III alpha 1 chain; plus strand). Cytogenetic location: 2q32.2.
Variant type: single nucleotide variant.
Coding change: c.4359T>G on transcript NM_000090.4 (MANE Select); coding-DNA position 4359, T replaced by G.
Protein change: p.Asp1453Glu; replaces aspartic acid 1453 with glutamic acid.
Molecular consequence: missense variant.
Genome position (GRCh38, 1-based): chr2:189,011,732, T>G. VCF-style: chr2-189011732-T-G. GRCh37 (hg19) VCF-style: chr2-189876458-T-G.
Other names: short protein forms D1453E.
Identifiers: ClinVar variation 1342053 (VCV001342053.2), dbSNP rs2153504458, ClinGen allele CA349850417.

ClinVar aggregate classification (germline): Uncertain significance (1 of 4 stars; one submission).

Submission:

GeneDx
Classification: Uncertain significance. Last evaluated: 2022-02-07. Review status: criteria provided, single submitter. Criteria: GeneDx Variant Classification Process June 2021. Collection method: clinical testing. Allele origin: germline. Affected: yes.
Comment: Not observed at significant frequency in large population cohorts (gnomAD); In silico analysis supports that this missense variant has a deleterious effect on protein structure/function; Has not been previously published as pathogenic or benign to our knowledge; This variant is associated with the following publications: (PMID: 27535533)